The following is an entry in ClinVar:

NM_000944.5(PPP3CA):c.1338dup (p.Ala447fs)

Gene: PPP3CA (protein phosphatase 3 catalytic subunit alpha; minus strand). Cytogenetic location: 4q24.
Variant type: Duplication.
Coding change: c.1338dup on transcript NM_000944.5 (MANE Select); coding-DNA position 1338, one base duplicated (C; older notation c.1338dupC).
Protein change: p.Ala447fs; shifts the reading frame from alanine 447.
Molecular consequence: frameshift variant.
Genome position (GRCh38, 1-based): chr4:101,032,268, G duplicated on the plus strand (C on the coding strand, the reverse complement: PPP3CA is on the minus strand). VCF-style (leftmost placement, unchanged base first): chr4-101032267-C-CG. GRCh37 (hg19) VCF-style: chr4-101953424-C-CG.
Other names: c.1338dup, p.Ala447fs (NM_001130691.2); c.1212dup, p.Ala405fs (NM_001130692.2); c.1338dupC (NM_000944.5); short protein forms A405fs, A447fs.
Identifiers: ClinVar variation 3900643 (VCV003900643.1).
Genomic context (GRCh38, chr4:101,032,267, plus strand): 5'-TCTAATGACACAGCTGACTGCGATGCCCCAGCACACAGTCATACCCATCAGCCTGCTTAC[C>CG]GCTTTGCAGGGTTTGCTTCCCTCCAGAAAGTACTCCGCTGGGGAGCATGCCAGTTGGGGT-3'

ClinVar aggregate classification (germline): Pathogenic (1 of 4 stars; one submission).

Conditions:
Developmental and epileptic encephalopathy 91. Also called: EPILEPTIC ENCEPHALOPATHY, INFANTILE OR EARLY CHILDHOOD, 1. Identifiers: MedGen C4540199, MONDO:0020630, OMIM 617711.

Submission:

Pediatric Department, Peking University First Hospital
Classification: Pathogenic for Developmental and epileptic encephalopathy 91. Last evaluated: 2025-05-24. Review status: criteria provided, single submitter. Criteria: ACMG Guidelines, 2015. Collection method: research. Allele origin: de novo. Affected: yes.
Comment: Pathogenic(PVS1, PS2, PM2)

Literature cited by the submitters: PubMed 32593294.